The following is an entry in ClinVar:

ClinVar aggregate classification (germline): Uncertain significance. Review status: criteria provided, multiple submitters, no conflicts (2 of 4 stars). 2 submissions from 2 submitters: Uncertain significance (2). Last evaluated 2024-11-10.

Conditions:
Primary ciliary dyskinesia. Also called: Ciliary dyskinesia. Identifiers: Orphanet 244, MedGen C0008780, MONDO:0016575, HP:0012265.

Allele frequency attached by ClinVar (database versions not stated): TOPMed below 0.00001.

Submissions (2):

GeneDx
Classification: Uncertain significance. Last evaluated: 2024-11-10. Review status: criteria provided, single submitter. Criteria: GeneDx Variant Classification Process June 2021. Collection method: clinical testing. Allele origin: germline. Affected: yes.
Comment: Not observed at significant frequency in large population cohorts (gnomAD); In silico analysis supports that this missense variant has a deleterious effect on protein structure/function; Has not been previously published as pathogenic or benign to our knowledge

Labcorp Genetics (formerly Invitae), Labcorp
Classification: Uncertain significance for Primary ciliary dyskinesia. Last evaluated: 2021-12-22. Review status: criteria provided, single submitter. Criteria: Invitae Variant Classification Sherloc (09022015). Collection method: clinical testing. Allele origin: germline.
Comment: This sequence change replaces leucine, which is neutral and non-polar, with arginine, which is basic and polar, at codon 1816 of the DNAH11 protein (p.Leu1816Arg). This variant is not present in population databases (gnomAD no frequency). This variant has not been reported in the literature in individuals affected with DNAH11-related conditions. Algorithms developed to predict the effect of missense changes on protein structure and function (SIFT, PolyPhen-2, Align-GVGD) all suggest that this variant is likely to be disruptive. Algorithms developed to predict the effect of sequence changes on RNA splicing suggest that this variant may create or strengthen a splice site. In summary, the available evidence is currently insufficient to determine the role of this variant in disease. Therefore, it has been classified as a Variant of Uncertain Significance.

NM_001277115.2(DNAH11):c.5447T>G (p.Leu1816Arg)

Gene: DNAH11 (dynein axonemal heavy chain 11; plus strand). Cytogenetic location: 7p15.3.
Variant type: single nucleotide variant.
Coding change: c.5447T>G on transcript NM_001277115.2 (MANE Select); coding-DNA position 5447, T replaced by G.
Protein change: p.Leu1816Arg; replaces leucine 1816 with arginine.
Molecular consequence: missense variant.
Genome position (GRCh38, 1-based): chr7:21,681,664, T>G. VCF-style: chr7-21681664-T-G. GRCh37 (hg19) VCF-style: chr7-21721282-T-G.
Other names: c.5447T>G (NM_001277115.1); c.5462T>G, p.Leu1821Arg (NM_003777.3); short protein forms L1816R, L1821R.
Identifiers: ClinVar variation 2053513 (VCV002053513.5), dbSNP rs1783143270, ClinGen allele CA366947117.